The following is an entry in ClinVar:

NM_002878.4(RAD51D):c.668-15C>T

Genes: RAD51L3-RFFL (RAD51L3-RFFL readthrough; minus strand), RAD51D (RAD51 paralog D; minus strand). Cytogenetic location: 17q12.
Variant type: single nucleotide variant.
Coding change: c.668-15C>T on transcript NM_002878.4 (MANE Select); 15 bases into the intron before coding-DNA position 668, C replaced by T.
Molecular consequence: intron variant.
Genome position (GRCh38, 1-based): chr17:35,103,339, G>A on the plus strand (C>T on the coding strand, the complement: RAD51D is on the minus strand). VCF-style: chr17-35103339-G-A. GRCh37 (hg19) VCF-style: chr17-33430358-G-A.
Other names: c.332-15C>T (NM_133629.3); c.728-15C>T (NM_001142571.2).
Identifiers: ClinVar variation 3780522 (VCV003780522.2).

ClinVar aggregate classification (germline): Likely benign. Review status: criteria provided, multiple submitters, no conflicts (2 of 4 stars). 2 submissions from 2 submitters: Likely benign (2). Last evaluated 2025-02-24.

Conditions:
Hereditary breast ovarian cancer syndrome. Also called: BRCA1- and BRCA2-Associated Hereditary Breast and Ovarian Cancer; Hereditary breast and ovarian cancer; Hereditary breast and/or ovarian cancer syndrome; Hereditary breast and ovarian cancer syndrome (HBOC); Hereditary breast and ovarian cancer syndrome; Breast and ovarian cancer. Identifiers: Orphanet 145, MedGen C0677776, MeSH D061325, MONDO:0003582. Disease mechanism: loss of function.
Breast-ovarian cancer, familial, susceptibility to, 4. Identifiers: Orphanet 145, MedGen C3280345, MONDO:0013669, OMIM 614291.

Submissions (2):

Myriad Genetics, Inc.
Classification: Likely benign for Breast-ovarian cancer, familial, susceptibility to, 4. Last evaluated: 2025-02-24. Review status: criteria provided, single submitter. Criteria: Myriad Autosomal Dominant, Autosomal Recessive and X-Linked Classification Criteria (2023). Collection method: clinical testing. Allele origin: unknown.
Comment: This variant is considered likely benign. This variant is intronic and is not expected to impact mRNA splicing.

Department of Pathology and Laboratory Medicine, Sinai Health System
Classification: Likely benign for Hereditary breast ovarian cancer syndrome. Last evaluated: 2023-10-24. Review status: criteria provided, single submitter. Criteria: ACMG Guidelines, 2015. Collection method: clinical testing. Allele origin: germline. Affected: yes.